The following is an entry in ClinVar:

NM_000038.6(APC):c.8313T>G (p.Ser2771Arg)

Gene: APC (APC regulator of Wnt signaling pathway; plus strand). Cytogenetic location: 5q22.2.
Variant type: single nucleotide variant.
Coding change: c.8313T>G on transcript NM_000038.6 (MANE Select); coding-DNA position 8313, T replaced by G.
Protein change: p.Ser2771Arg; replaces serine 2771 with arginine.
Molecular consequence: missense variant. On other transcripts: non-coding transcript variant (2).
Genome position (GRCh38, 1-based): chr5:112,843,907, T>G. VCF-style: chr5-112843907-T-G. GRCh37 (hg19) VCF-style: chr5-112179604-T-G.
Other names: c.8313T>G, p.Ser2771Arg (NM_001127510.3, NM_001354895.2, NM_001407450.1); c.8259T>G, p.Ser2753Arg (NM_001127511.3); c.8367T>G, p.Ser2789Arg (NM_001354896.2, NM_001407447.1, NM_001407448.1 and 1 more transcripts); c.8343T>G, p.Ser2781Arg (NM_001354897.2); c.8238T>G, p.Ser2746Arg (NM_001354898.2); c.8229T>G, p.Ser2743Arg (NM_001354899.2); c.8190T>G, p.Ser2730Arg (NM_001354900.2); c.8136T>G, p.Ser2712Arg (NM_001354901.2, NM_001407453.1); and 11 more; short protein forms S2730R, S2781R, S2799R, S2645R, S2688R, S2753R, S2771R, S2789R.
Identifiers: ClinVar variation 2567034 (VCV002567034.2), dbSNP rs2150003007, ClinGen allele CA16039373.

ClinVar aggregate classification (germline): Uncertain significance (1 of 4 stars; one submission).

Conditions:
Hereditary cancer-predisposing syndrome. Also called: Hereditary neoplastic syndrome; Hereditary Cancer Syndrome; Neoplastic Syndromes, Hereditary; Tumor predisposition. Identifiers: Orphanet 140162, MedGen C0027672, MeSH D009386, MONDO:0015356.

Submission:

Ambry Genetics
Classification: Uncertain significance for Hereditary cancer-predisposing syndrome. Last evaluated: 2023-05-09. Review status: criteria provided, single submitter. Criteria: Ambry Variant Classification Scheme 2023. Collection method: clinical testing. Allele origin: germline.
Comment: The p.S2771R variant (also known as c.8313T>G), located in coding exon 15 of the APC gene, results from a T to G substitution at nucleotide position 8313. The serine at codon 2771 is replaced by arginine, an amino acid with dissimilar properties. This amino acid position is conserved. In addition, in silico predictors for this gene do not accurately predict pathogenicity. Since supporting evidence is limited at this time, the clinical significance of this alteration remains unclear.